The following is an entry in ClinVar:

ClinVar aggregate classification (germline): Uncertain significance (1 of 4 stars; one submission).

Conditions:
Glycogen storage disease, type II (IOPD). Also called: Pompe Disease; CARDIOMEGALIA GLYCOGENICA DIFFUSA; GLYCOGENOSIS, GENERALIZED, CARDIAC FORM; GSD II; POMPE DISEASE, INFANTILE-ONSET; GLYCOGEN STORAGE DISEASE II, INFANTILE-ONSET. Identifiers: Orphanet 365, MedGen C0017921, MONDO:0009290, OMIM 232300.

Submission:

Genomenon, Inc
Classification: Uncertain significance for Glycogen storage disease, type II. Last evaluated: 2026-07-01. Review status: criteria provided, single submitter. Criteria: Genomenon Sequence Variant Interpretation Standards - Updated. Collection method: curation. Allele origin: germline. Affected: yes.
Comment: GAA p.Gln915dup (c.2743_2745dup) is an in-frame duplication variant that results in the duplication of Glutamine at codon 915. This variant has been observed in at least one proband with a GAA-related disorder in the compound heterozygous and/or homozygous state (PMID:25626711). It is absent or not present at a significant frequency in gnomAD. In conclusion, we classify GAA p.Gln915dup (c.2743_2745dup) as a variant of uncertain significance.

Literature cited by the submitters: PubMed 25626711.

NM_000152.5(GAA):c.2740CAG[3] (p.Gln915_Val916insGln)

Gene: GAA (alpha glucosidase; plus strand). Cytogenetic location: 17q25.3.
Variant type: Microsatellite.
Coding change: c.2740CAG[3] on transcript NM_000152.5 (MANE Select); three copies in a row of the 3-base unit CAG starting at c.2740; the reference has two copies in a row; one copy, 3 bases duplicated; also written c.2743_2745dup.
Protein change: p.Gln915_Val916insGln.
Molecular consequence: inframe insertion.
Genome position (GRCh38, 1-based): chr17:80,118,749-80,118,751, CAG duplicated; duplicating any 3 consecutive bases within chr17:80,118,746-80,118,751 gives the same sequence; the position shown is the placement nearest the transcript's 3' end. VCF-style (leftmost placement, unchanged base first): chr17-80118745-C-CCAG. GRCh37 (hg19) VCF-style: chr17-78092544-C-CCAG.
Other names: c.2743_2745dup (NM_000152.5); c.2740CAG[3], p.Gln915_Val916insGln (NM_001079803.3, NM_001079804.3, NM_001406741.1 and 1 more transcripts).
Identifiers: ClinVar variation 4876661 (VCV004876661.1).